The following is an entry in ClinVar:

NM_181453.4(GCC2):c.2558A>G (p.Glu853Gly)

Gene: GCC2 (GRIP and coiled-coil domain containing 2; plus strand). Cytogenetic location: 2q12.3.
Variant type: single nucleotide variant.
Coding change: c.2558A>G on transcript NM_181453.4 (MANE Select); coding-DNA position 2558, A replaced by G.
Protein change: p.Glu853Gly; replaces glutamic acid 853 with glycine.
Molecular consequence: missense variant.
Genome position (GRCh38, 1-based): chr2:108,471,887, A>G. VCF-style: chr2-108471887-A-G. GRCh37 (hg19) VCF-style: chr2-109088343-A-G.
Other names: c.2255A>G, p.Glu752Gly (NM_001410194.1, NM_014635.3); short protein forms E752G, E853G.
Identifiers: ClinVar variation 3038603 (VCV003038603.2), dbSNP rs146256742, ClinGen allele CA1820707.
Genomic context (GRCh38, chr2:108,471,887, plus strand): 5'-TGAGAGACTATGAGCAAGAGAAAGTTCTCTTAAGGAAAGAGTTAGAAGAAATACAGTCAG[A>G]AAAAGAGGCCCTGCAGTCTGATCTTCTAGAAATGAAGAATGCTAATGAAAAAACAAGGCT-3'
Protein context (NP_852118.2, residues 843-863): LRKELEEIQS[Glu853Gly]KEALQSDLLE

ClinVar aggregate classification (germline): Benign (0 of 4 stars; one submission).

Conditions:
GCC2-related disorder. Also called: GCC2-related condition.

Allele frequency attached by ClinVar (database versions not stated): 1000 Genomes Project 30x 0.00047; 1000 Genomes Project 0.00060; ESP Exome Variant Server 0.00192; TOPMed 0.00192; gnomAD 0.00261; ExAC 0.00279; gnomAD exomes 0.00315.
gnomAD v4.1: 4,937 of 1,607,762 alleles (0.31%); highest among the groups gnomAD compares: Non-Finnish European, 0.35%; 12 homozygotes.

Submission:

PreventionGenetics, part of Exact Sciences
Classification: Benign for GCC2-related condition. Last evaluated: 2019-05-21. Review status: no assertion criteria provided. Collection method: clinical testing. Allele origin: germline.
Comment: This variant is classified as benign based on ACMG/AMP sequence variant interpretation guidelines (Richards et al. 2015 PMID: 25741868, with internal and published modifications).